The following is an entry in ClinVar:

ClinVar aggregate classification (germline): Benign. Review status: criteria provided, single submitter (1 of 4 stars). 2 submissions from 2 submitters: Benign (1). 1 of the submissions does not count toward it. Last evaluated 2023-04-27.

Conditions:
PHIP-related disorder. Also called: PHIP-related condition; PHIP-related disorders.

Allele frequency attached by ClinVar (database versions not stated): TOPMed 0.00003; ExAC 0.00004; gnomAD exomes 0.00004; gnomAD 0.00006.
gnomAD v4.1: 70 of 1,611,750 alleles (0.0043%); highest among the groups gnomAD compares: South Asian, 0.0077%; 1 homozygote.

Submissions (2):

Labcorp Genetics (formerly Invitae), Labcorp
Classification: Benign. Last evaluated: 2023-04-27. Review status: criteria provided, single submitter. Criteria: Invitae Variant Classification Sherloc (09022015). Collection method: clinical testing. Allele origin: germline.

PreventionGenetics, part of Exact Sciences
Classification: Likely benign for PHIP-related condition. Last evaluated: 2021-06-15. Review status: no assertion criteria provided. Collection method: clinical testing. Allele origin: germline. Not counted in ClinVar's aggregate classification.
Comment: This variant is classified as likely benign based on ACMG/AMP sequence variant interpretation guidelines (Richards et al. 2015 PMID: 25741868, with internal and published modifications).

NM_017934.7(PHIP):c.858A>G (p.Leu286=)

Gene: PHIP (PHIP subunit of CUL4-Ring ligase complex; minus strand). Cytogenetic location: 6q14.1.
Variant type: single nucleotide variant.
Coding change: c.858A>G on transcript NM_017934.7 (MANE Select); coding-DNA position 858, A replaced by G.
Protein change: p.Leu286=; no amino-acid change (leucine 286 retained).
Molecular consequence: synonymous variant.
Genome position (GRCh38, 1-based): chr6:79,025,584, T>C on the plus strand (A>G on the coding strand, the complement: PHIP is on the minus strand). VCF-style: chr6-79025584-T-C. GRCh37 (hg19) VCF-style: chr6-79735301-T-C.
Other names: c.858A>G (NM_017934.6).
Identifiers: ClinVar variation 2184310 (VCV002184310.6), dbSNP rs201059253, ClinGen allele CA3900286.